The following is an entry in ClinVar:

NM_001145128.3(AK9):c.4863C>T (p.Cys1621=)

Genes: AK9 (adenylate kinase 9; minus strand), ZBTB24-DT (ZBTB24 divergent transcript; plus strand). Cytogenetic location: 6q21.
Variant type: single nucleotide variant.
Coding change: c.4863C>T on transcript NM_001145128.3 (MANE Select); coding-DNA position 4863, C replaced by T.
Protein change: p.Cys1621=; no amino-acid change (cysteine 1621 retained).
Molecular consequence: synonymous variant.
Genome position (GRCh38, 1-based): chr6:109,499,227, G>A on the plus strand (C>T on the coding strand, the complement: AK9 is on the minus strand). VCF-style: chr6-109499227-G-A. GRCh37 (hg19) VCF-style: chr6-109820430-G-A.
Identifiers: ClinVar variation 2656829 (VCV002656829.24), dbSNP rs145186563, ClinGen allele CA3954615.

ClinVar aggregate classification (germline): Benign (1 of 4 stars; one submission).

Allele frequency attached by ClinVar (database versions not stated): TOPMed 0.00241; gnomAD 0.00304; ESP Exome Variant Server 0.00331; 1000 Genomes Project 30x 0.00390; 1000 Genomes Project 0.00399; ExAC 0.00418.
gnomAD v4.1: 7,210 of 1,517,468 alleles (0.48%); highest among the groups gnomAD compares: South Asian, 1.3%; 35 homozygotes.

Submission:

CeGaT Center for Human Genetics Tuebingen
Classification: Benign. Last evaluated: 2023-03-01. Review status: criteria provided, single submitter. Criteria: CeGaT Center For Human Genetics Tuebingen Variant Classification Criteria Version 2. Collection method: clinical testing. Allele origin: germline. Affected: yes. Observed: 1 variant allele.
Comment: AK9: BS1, BS2; ZBTB24-DT: BS1, BS2